The following is an entry in ClinVar:

ClinVar aggregate classification (germline): Pathogenic. Review status: criteria provided, multiple submitters, no conflicts (2 of 4 stars). 3 submissions from 3 submitters: Pathogenic (3). Last evaluated 2026-01-27.

Conditions:
ACVRL1-related disorder. Also called: ACVRL1-related condition; ACVRL1-related disorders.
Telangiectasia, hereditary hemorrhagic, type 2 (HHT2). Also called: Telangiectasia, hereditary hemorrhagic, type II; ACVRL1-Related Hereditary Hemorrhagic Telangiectasia. Identifiers: Orphanet 774, MedGen C1838163, MONDO:0010880, OMIM 600376. Disease mechanism: loss of function.

Submissions (3):

Labcorp Genetics (formerly Invitae), Labcorp
Classification: Pathogenic for Telangiectasia, hereditary hemorrhagic, type 2. Last evaluated: 2026-01-27. Review status: criteria provided, single submitter. Criteria: Invitae Variant Classification Sherloc (09022015). Collection method: clinical testing. Allele origin: germline.
Comment: This sequence change creates a premature translational stop signal (p.Ser225Cysfs*11) in the ACVRL1 gene. It is expected to result in an absent or disrupted protein product. Loss-of-function variants in ACVRL1 are known to be pathogenic (PMID: 15879500). This variant is not present in population databases (gnomAD no frequency). This premature translational stop signal has been observed in individual(s) with ACVRL1-related conditions (PMID: 18673552). Algorithms developed to predict the effect of sequence changes on RNA splicing suggest that this variant may disrupt the consensus splice site. For these reasons, this variant has been classified as Pathogenic.

Blueprint Genetics
Classification: Pathogenic for ACVRL1-related disorders. Last evaluated: 2022-07-05. Review status: criteria provided, single submitter. Criteria: ACMG Guidelines, 2015. Collection method: clinical testing. Allele origin: germline. Affected: yes. Observed: 1 variant allele.

ARUP Laboratories, Molecular Genetics and Genomics, ARUP Laboratories
Classification: Pathogenic for Telangiectasia, hereditary hemorrhagic, type 2. Last evaluated: 2019-07-31. Review status: criteria provided, single submitter. Criteria: ARUP Molecular Germline Variant Investigation Process. Collection method: clinical testing. Allele origin: germline.
Comment: The ACVRL1 c.673_674delAG; p.Ser225fs variant is reported in the literature in multiple individuals affected with hereditary hemorrhagic telangiectasia (Fontalba 2008, Karlsson 2018, Sadick 2009). This variant is absent from general population databases (Exome Variant Server, Genome Aggregation Database), indicating it is not a common polymorphism. This variant causes a frameshift by deleting two nucleotides, so it is predicted to result in a truncated protein or mRNA subject to nonsense-mediated decay. Based on available information, this variant is considered to be pathogenic. References: Fontalba A et al. Mutation study of Spanish patients with hereditary hemorrhagic telangiectasia. BMC Med Genet. 2008 Aug 1;9:75. Karlsson T and Cherif H. Mutations in the ENG, ACVRL1, and SMAD4 genes and clinical manifestations of hereditary haemorrhagic telangiectasia: experience from the Center for Osler's Disease, Uppsala University Hospital. Ups J Med Sci. 2018 Sep;123(3):153-157. Sadick H et al. Mutation analysis of "Endoglin" and "Activin receptor-like kinase" genes in German patients with hereditary hemorrhagic telangiectasia and the value of rapid genotyping using an allele-specific PCR-technique. BMC Med Genet. 2009 Jun 9;10:53.

Literature cited by the submitters: PubMed 15879500 (cited by Labcorp Genetics (formerly Invitae), Labcorp); PubMed 18673552 (cited by Labcorp Genetics (formerly Invitae), Labcorp).

NM_000020.3(ACVRL1):c.673_674del (p.Ser225fs)

Gene: ACVRL1 (activin A receptor like type 1; plus strand). Cytogenetic location: 12q13.13.
Variant type: Microsatellite.
Coding change: c.673_674del on transcript NM_000020.3 (MANE Select); coding-DNA positions 673 to 674, 2 bases deleted (AG; older notation c.673_674delAG).
Protein change: p.Ser225fs; shifts the reading frame from serine 225.
Molecular consequence: frameshift variant.
Genome position (GRCh38, 1-based): chr12:51,914,486-51,914,487, AG deleted; deleting any 2 consecutive bases within chr12:51,914,483-51,914,487 gives the same sequence; the c. name uses the placement nearest the transcript's 3' end. VCF-style (leftmost placement, unchanged base first): chr12-51914482-TGA-T. GRCh37 (hg19) VCF-style: chr12-52308266-TGA-T.
Other names: c.673_674del, p.Ser225fs (NM_001077401.2); short protein forms S225fs.
Identifiers: ClinVar variation 994377 (VCV000994377.10), dbSNP rs1940782251, ClinGen allele CA2036269021.